The following is an entry in ClinVar:

ClinVar aggregate classification (germline): Uncertain significance (1 of 4 stars; one submission).

Conditions:
Hereditary cancer-predisposing syndrome. Also called: Hereditary neoplastic syndrome; Neoplastic Syndromes, Hereditary; Hereditary Cancer Syndrome; Tumor predisposition. Identifiers: Orphanet 140162, MedGen C0027672, MeSH D009386, MONDO:0015356.

Submission:

Labcorp Genetics (formerly Invitae), Labcorp
Classification: Uncertain significance for Hereditary cancer-predisposing syndrome. Last evaluated: 2022-09-23. Review status: criteria provided, single submitter. Criteria: Invitae Variant Classification Sherloc (09022015). Collection method: clinical testing. Allele origin: germline.
Comment: In summary, the available evidence is currently insufficient to determine the role of this variant in disease. Therefore, it has been classified as a Variant of Uncertain Significance. Algorithms developed to predict the effect of missense changes on protein structure and function (SIFT, PolyPhen-2, Align-GVGD) all suggest that this variant is likely to be tolerated. This variant has not been reported in the literature in individuals affected with RAD50-related conditions. This variant is not present in population databases (gnomAD no frequency). This sequence change replaces asparagine, which is neutral and polar, with lysine, which is basic and polar, at codon 1310 of the RAD50 protein (p.Asn1310Lys).

NM_005732.4(RAD50):c.3930T>A (p.Asn1310Lys)

Genes: TH2LCRR (T helper type 2 locus control region associated RNA; minus strand), RAD50 (RAD50 double strand break repair protein; plus strand). Cytogenetic location: 5q31.1.
Variant type: single nucleotide variant.
Coding change: c.3930T>A on transcript NM_005732.4 (MANE Select); coding-DNA position 3930, T replaced by A.
Protein change: p.Asn1310Lys; replaces asparagine 1310 with lysine.
Molecular consequence: missense variant.
Genome position (GRCh38, 1-based): chr5:132,642,355, T>A. VCF-style: chr5-132642355-T-A. GRCh37 (hg19) VCF-style: chr5-131978047-T-A.
Other names: short protein forms N1310K.
Identifiers: ClinVar variation 1720186 (VCV001720186.6), dbSNP rs878854803, ClinGen allele CA360937720.